The following is an entry in ClinVar:

ClinVar aggregate classification (germline): Pathogenic (1 of 4 stars; one submission).

Conditions:
USH2A-related disorder. Also called: USH2A-related condition; USH2A-related disorders. Identifiers: MedGen CN239332.

Submission:

Myriad Genetics, Inc.
Classification: Pathogenic for USH2A-related disorder. Last evaluated: 2025-01-08. Review status: criteria provided, single submitter. Criteria: Myriad Autosomal Dominant, Autosomal Recessive and X-Linked Classification Criteria (2023). Collection method: clinical testing. Allele origin: unknown.
Comment: NM_206933.2(USH2A):c.3862delG(E1288Kfs*22) is expected to be pathogenic in the context of USH2A-related disorders. This variant is predicted to lead to an abnormal or absent protein product due to the creation of a premature termination codon in USH2A, a gene where loss-of-function variants are known to be pathogenic. Please note: this variant was assessed in the context of healthy population screening.

NM_206933.4(USH2A):c.3862del (p.Glu1288fs)

Genes: USH2A (usherin; minus strand), USH2A-AS1 (USH2A antisense RNA 1; plus strand). Cytogenetic location: 1q41.
Variant type: Deletion.
Coding change: c.3862del on transcript NM_206933.4 (MANE Select); coding-DNA position 3862, one base deleted (G; older notation c.3862delG).
Protein change: p.Glu1288fs; shifts the reading frame from glutamic acid 1288.
Molecular consequence: frameshift variant.
Genome position (GRCh38, 1-based): chr1:216,198,534, C deleted on the plus strand (G on the coding strand, the reverse complement: USH2A is on the minus strand). VCF-style (leftmost placement, unchanged base first): chr1-216198533-TC-T. GRCh37 (hg19) VCF-style: chr1-216371875-TC-T.
Other names: c.3862del, p.Glu1288fs (NM_007123.6); short protein forms E1288fs.
Identifiers: ClinVar variation 5013935 (VCV005013935.1).